The following is an entry in ClinVar:

NM_001378120.1(MBD5):c.4904A>T (p.Lys1635Ile)

Gene: MBD5 (methyl-CpG binding domain protein 5; plus strand). Cytogenetic location: 2q23.1.
Variant type: single nucleotide variant.
Coding change: c.4904A>T on transcript NM_001378120.1 (MANE Select); coding-DNA position 4904, A replaced by T.
Protein change: p.Lys1635Ile; replaces lysine 1635 with isoleucine.
Molecular consequence: missense variant.
Genome position (GRCh38, 1-based): chr2:148,490,536, A>T. VCF-style: chr2-148490536-A-T. GRCh37 (hg19) VCF-style: chr2-149248105-A-T.
Other names: c.4205A>T, p.Lys1402Ile (NM_018328.5); short protein forms K1402I, K1635I.
Identifiers: ClinVar variation 1005939 (VCV001005939.9), dbSNP rs1681492416, ClinGen allele CA348731905.

ClinVar aggregate classification (germline): Uncertain significance (1 of 4 stars; one submission).

Conditions:
Intellectual developmental disorder, autosomal dominant 1. Also called: Intellectual disability, autosomal dominant 1; MBD5 Haploinsufficiency. Identifiers: Orphanet 228402, MedGen C1969562, MONDO:0007974, OMIM 156200.

Allele frequency attached by ClinVar (database versions not stated): TOPMed below 0.00001.

Submission:

Labcorp Genetics (formerly Invitae), Labcorp
Classification: Uncertain significance for Intellectual developmental disorder, autosomal dominant 1. Last evaluated: 2022-08-09. Review status: criteria provided, single submitter. Criteria: Invitae Variant Classification Sherloc (09022015). Collection method: clinical testing. Allele origin: germline.
Comment: ClinVar contains an entry for this variant (Variation ID: 1005939). This variant has not been reported in the literature in individuals affected with MBD5-related conditions. This variant is not present in population databases (gnomAD no frequency). This sequence change replaces lysine, which is basic and polar, with isoleucine, which is neutral and non-polar, at codon 1402 of the MBD5 protein (p.Lys1402Ile). In summary, the available evidence is currently insufficient to determine the role of this variant in disease. Therefore, it has been classified as a Variant of Uncertain Significance. Algorithms developed to predict the effect of missense changes on protein structure and function are either unavailable or do not agree on the potential impact of this missense change (SIFT: "Deleterious"; PolyPhen-2: "Not Available"; Align-GVGD: "Class C65").